The following is an entry in ClinVar:

NM_000702.4(ATP1A2):c.2128G>A (p.Ala710Thr)

Gene: ATP1A2 (ATPase Na+/K+ transporting subunit alpha 2; plus strand). Cytogenetic location: 1q23.2.
Variant type: single nucleotide variant.
Coding change: c.2128G>A on transcript NM_000702.4 (MANE Select); coding-DNA position 2128, G replaced by A.
Protein change: p.Ala710Thr; replaces alanine 710 with threonine.
Molecular consequence: missense variant.
Genome position (GRCh38, 1-based): chr1:160,135,446, G>A. VCF-style: chr1-160135446-G-A. GRCh37 (hg19) VCF-style: chr1-160105236-G-A.
Other names: short protein forms A710T.
Identifiers: ClinVar variation 451802 (VCV000451802.2), dbSNP rs1553245764, ClinGen allele CA343248881.

ClinVar aggregate classification (germline): Uncertain significance (1 of 4 stars; one submission).

Submission:

GeneDx
Classification: Uncertain significance. Last evaluated: 2017-09-12. Review status: criteria provided, single submitter. Criteria: GeneDx Variant Classification (06012015). Collection method: clinical testing. Allele origin: germline. Affected: yes.
Comment: The A710T variant has not been published as a pathogenic variant, nor has it been reported as a benign variant to our knowledge. The A710T variant is not observed in large population cohorts (Lek et al., 2016; 1000 Genomes Consortium et al., 2015; Exome Variant Server). The A710T variant is a non-conservative amino acid substitution, which is likely to impact secondary protein structure as these residues differ in polarity, charge, size and/or other properties. Additionally, this substitution occurs at a position that is conserved across species, and missense variants in nearby residues (V711L, G715R) have been reported in the Human Gene Mutation Database in association with ATP1A2-related disorders (Stenson et al., 2014). Furthermore, in silico analysis predicts this variant is probably damaging to the protein structure/function. Based on the currently available information, it is unclear whether this variant is a pathogenic variant or a rare benign variant.